The following is an entry in ClinVar:

ClinVar aggregate classification (germline): Uncertain significance (1 of 4 stars; one submission).

Conditions:
Inborn genetic diseases. Identifiers: MedGen C0950123, MeSH D030342.

Submission:

Ambry Genetics
Classification: Uncertain significance for Inborn genetic diseases. Last evaluated: 2025-01-07. Review status: criteria provided, single submitter. Criteria: Ambry Variant Classification Scheme 2023. Collection method: clinical testing. Allele origin: germline.
Comment: The p.V615A variant (also known as c.1844T>C), located in coding exon 18 of the ANKRD26 gene, results from a T to C substitution at nucleotide position 1844. The valine at codon 615 is replaced by alanine, an amino acid with similar properties. This amino acid position is conserved. In addition, this alteration is predicted to be tolerated by in silico analysis. Based on the available evidence, the clinical significance of this variant remains unclear.

NM_014915.3(ANKRD26):c.1844T>C (p.Val615Ala)

Gene: ANKRD26 (ankyrin repeat domain containing 26; minus strand). Cytogenetic location: 10p12.1.
Variant type: single nucleotide variant.
Coding change: c.1844T>C on transcript NM_014915.3 (MANE Select); coding-DNA position 1844, T replaced by C.
Protein change: p.Val615Ala; replaces valine 615 with alanine.
Molecular consequence: missense variant.
Genome position (GRCh38, 1-based): chr10:27,046,494, A>G on the plus strand (T>C on the coding strand, the complement: ANKRD26 is on the minus strand). VCF-style: chr10-27046494-A-G. GRCh37 (hg19) VCF-style: chr10-27335423-A-G.
Other names: c.1841T>C, p.Val614Ala (NM_001256053.2); short protein forms V614A, V615A.
Identifiers: ClinVar variation 3870093 (VCV003870093.1).
Genomic context (GRCh38, chr10:27,046,494, plus strand): 5'-CCAAACACTGGTGAATTCACAGATTCTTTCGAGGTCCGTTTTTCTTTTTCAGTGCTCTTT[A>G]CTTCCTTCATTTGCAAGGCAGGACCACTACTTTAAAAAATCCATGGGAAATGACAGTTAC-3'
Protein context (NP_055730.2, residues 605-625): SSGPALQMKE[Val615Ala]KSTEKEKRTS